The following is an entry in ClinVar:

NC_000012.11:g.(?_116440808)_(116440907_?)del

Gene: MED13L (mediator complex subunit 13L; minus strand). Cytogenetic location: 12q24.21.
Variant type: Deletion.
Identifiers: ClinVar variation 3244300 (VCV003244300.1).

ClinVar aggregate classification (germline): Pathogenic (1 of 4 stars; one submission).

Conditions:
Dextro-looped transposition of the great arteries. Also called: Dextrotransposition of the great arteries. Identifiers: Orphanet 860, MedGen C3531771, MONDO:0019443, OMIM 608808, HP:0031348.

Submission:

Labcorp Genetics (formerly Invitae), Labcorp
Classification: Pathogenic for Dextro-looped transposition of the great arteries. Last evaluated: 2023-07-26. Review status: criteria provided, single submitter. Criteria: Invitae Variant Classification Sherloc (09022015). Collection method: clinical testing. Allele origin: unknown.
Comment: For these reasons, this variant has been classified as Pathogenic. This variant has not been reported in the literature in individuals affected with MED13L-related conditions. This variant is a gross deletion of the genomic region encompassing exon(s) 14 of the MED13L gene. This deletion is out-of-frame, and is expected to create a premature termination codon and result in an absent or disrupted protein product. Loss-of-function variants in MED13L are known to be pathogenic (PMID: 25712080, 25758992).

Literature cited by the submitters: PubMed 25712080; PubMed 25758992.